The following is an entry in ClinVar:

ClinVar aggregate classification (germline): Likely benign. Review status: criteria provided, multiple submitters, no conflicts (2 of 4 stars). 5 submissions from 5 submitters: Likely benign (4). 1 of the submissions does not count toward it. Last evaluated 2026-06-01.

Conditions:
CACNA1B-related disorder. Also called: CACNA1B-related condition.

Allele frequency attached by ClinVar (database versions not stated): TOPMed 0.00247; 1000 Genomes Project 30x 0.00312; gnomAD exomes 0.00416; ExAC 0.01587.

Submissions (5):

CeGaT Center for Human Genetics Tuebingen
Classification: Likely benign. Last evaluated: 2026-06-01. Review status: criteria provided, single submitter. Criteria: CeGaT Center For Human Genetics Tuebingen Variant Classification Criteria Version 2. Collection method: clinical testing. Allele origin: germline. Affected: yes. Observed: 28 variant alleles.
Comment: CACNA1B: BP4, BP7

Blueprint Genetics
Classification: Likely benign. Last evaluated: 2024-11-25. Review status: criteria provided, single submitter. Criteria: ACMG Guidelines, 2015. Collection method: clinical testing. Allele origin: germline.

GeneDx
Classification: Likely benign. Last evaluated: 2021-05-13. Review status: criteria provided, single submitter. Criteria: GeneDx Variant Classification Process June 2021. Collection method: clinical testing. Allele origin: germline. Affected: yes.

Breakthrough Genomics
Classification: Likely benign. Review status: criteria provided, single submitter. Criteria: ACMG Guidelines, 2015. Collection method: not provided. Allele origin: germline. Inheritance: Autosomal recessive inheritance. Affected: yes.

PreventionGenetics, part of Exact Sciences
Classification: Likely benign for CACNA1B-related condition. Last evaluated: 2024-03-29. Review status: no assertion criteria provided. Collection method: clinical testing. Allele origin: germline. Not counted in ClinVar's aggregate classification.
Comment: This variant is classified as likely benign based on ACMG/AMP sequence variant interpretation guidelines (Richards et al. 2015 PMID: 25741868, with internal and published modifications).

NM_000718.4(CACNA1B):c.18C>T (p.Asp6=)

Genes: CACNA1B (calcium voltage-gated channel subunit alpha1 B; plus strand), CACNA1B-AS2 (CACNA1B antisense RNA 2; minus strand). Cytogenetic location: 9q34.3.
Variant type: single nucleotide variant.
Coding change: c.18C>T on transcript NM_000718.4 (MANE Select); coding-DNA position 18, C replaced by T.
Protein change: p.Asp6=; no amino-acid change (aspartic acid 6 retained).
Molecular consequence: synonymous variant.
Genome position (GRCh38, 1-based): chr9:137,877,951, C>T. VCF-style: chr9-137877951-C-T. GRCh37 (hg19) VCF-style: chr9-140772403-C-T.
Other names: c.18C>T, p.Asp6= (NM_001243812.2).
Identifiers: ClinVar variation 1321510 (VCV001321510.32), dbSNP rs757235316, ClinGen allele CA5375603.